The following is an entry in ClinVar:

NM_006269.2(RP1):c.6432_6439del (p.Leu2144fs)

Gene: RP1 (RP1 axonemal microtubule associated; plus strand). Cytogenetic location: 8q12.1.
Variant type: Deletion.
Coding change: c.6432_6439del on transcript NM_006269.2 (MANE Select); coding-DNA positions 6432 to 6439, 8 bases deleted (AACTGATC; older notation c.6432_6439delAACTGATC).
Protein change: p.Leu2144fs; shifts the reading frame from leucine 2144.
Molecular consequence: frameshift variant. On other transcripts: intron variant (1).
Genome position (GRCh38, 1-based): chr8:54,630,314-54,630,321, AACTGATC deleted. VCF-style (leftmost placement, unchanged base first): chr8-54630313-TAACTGATC-T. GRCh37 (hg19) VCF-style: chr8-55542873-TAACTGATC-T.
Other names: c.787+8026_787+8033del (NM_001375654.1); short protein forms L2144fs.
Identifiers: ClinVar variation 1699738 (VCV001699738.2), dbSNP rs1806219478, ClinGen allele CA1785166076.

ClinVar aggregate classification (germline): Uncertain significance (1 of 4 stars; one submission).

Allele frequency attached by ClinVar (database versions not stated): TOPMed below 0.00001.

Submission:

GeneDx
Classification: Uncertain significance. Last evaluated: 2022-01-31. Review status: criteria provided, single submitter. Criteria: GeneDx Variant Classification Process June 2021. Collection method: clinical testing. Allele origin: germline. Affected: yes.
Comment: Not observed at significant frequency in large population cohorts (gnomAD); Frameshift variant predicted to result in protein truncation as the last 13 amino acids are replaced with one different amino acid, although loss-of-function variants have not been reported downstream of this position in the protein; Has not been previously published as pathogenic or benign to our knowledge